The following is an entry in ClinVar:

ClinVar aggregate classification (germline): Likely benign. Review status: criteria provided, multiple submitters, no conflicts (2 of 4 stars). 2 submissions from 2 submitters: Likely benign (2). Last evaluated 2025-09-15.

Conditions:
Mucopolysaccharidosis, MPS-II (MPS2). Also called: Attenuated MPS (subtype; formerly known as mild MPS II); Severe MPS II; I2S deficiency; MPS 2; Hunter Syndrome; Mucopolysaccharidosis with skin involvement. Identifiers: Orphanet 580, Orphanet 79388, MedGen C0026705, MONDO:0010674, OMIM 309900.

Allele frequency attached by ClinVar (database versions not stated): gnomAD exomes 0.00001; TOPMed 0.00001.

Submissions (2):

Labcorp Genetics (formerly Invitae), Labcorp
Classification: Likely benign for Mucopolysaccharidosis, MPS-II. Last evaluated: 2025-09-15. Review status: criteria provided, single submitter. Criteria: Invitae Variant Classification Sherloc (09022015). Collection method: clinical testing. Allele origin: germline.

Women's Health and Genetics/Laboratory Corporation of America, LabCorp
Classification: Likely benign. Last evaluated: 2025-05-08. Review status: criteria provided, single submitter. Criteria: LabCorp Variant Classification Summary - May 2015. Collection method: clinical testing. Allele origin: germline.
Comment: Variant summary: IDS c.507+7C>T alters a nucleotide located at a position not widely known to affect splicing. Consensus agreement among computation tools predict no significant impact on normal splicing. However, these predictions have yet to be confirmed by functional studies. The variant was absent in 183424 control chromosomes. The available data on variant occurrences in the general population are insufficient to allow any conclusion about variant significance. To our knowledge, no occurrence of c.507+7C>T in individuals affected with Mucopolysaccharidosis Type II (Hunter Syndrome) and no experimental evidence demonstrating its impact on protein function have been reported. ClinVar contains an entry for this variant (Variation ID: 1150473). Based on the evidence outlined above, the variant was classified as likely benign.

NM_000202.8(IDS):c.507+7C>T

Genes: IDS (iduronate 2-sulfatase; minus strand), LOC106050102 (IDS recombination region; plus strand). Cytogenetic location: Xq28.
Variant type: single nucleotide variant.
Coding change: c.507+7C>T on transcript NM_000202.8 (MANE Select); 7 bases into the intron after coding-DNA position 507, C replaced by T.
Molecular consequence: intron variant.
Genome position (GRCh38, 1-based): chrX:149,500,942, G>A on the plus strand (C>T on the coding strand, the complement: IDS is on the minus strand). VCF-style: chrX-149500942-G-A. GRCh37 (hg19) VCF-style: chrX-148582473-G-A.
Other names: c.237+7C>T (NM_001166550.4); c.507+7C>T (NM_006123.5).
Identifiers: ClinVar variation 1150473 (VCV001150473.10), dbSNP rs1225416290, ClinGen allele CA645070602.